The following is an entry in ClinVar:

NM_198834.3(ACACA):c.1178G>A (p.Arg393His)

Gene: ACACA (acetyl-CoA carboxylase alpha; minus strand). Cytogenetic location: 17q12.
Variant type: single nucleotide variant.
Coding change: c.1178G>A on transcript NM_198834.3 (MANE Select); coding-DNA position 1178, G replaced by A.
Protein change: p.Arg393His; replaces arginine 393 with histidine.
Molecular consequence: missense variant.
Genome position (GRCh38, 1-based): chr17:37,263,836, C>T on the plus strand (G>A on the coding strand, the complement: ACACA is on the minus strand). VCF-style: chr17-37263836-C-T. GRCh37 (hg19) VCF-style: chr17-35620739-C-T.
Other names: c.1067G>A, p.Arg356His (NM_198836.3, NM_198839.3); c.893G>A, p.Arg298His (NM_198837.2); c.833G>A, p.Arg278His (NM_198838.2); short protein forms R393H, R356H, R298H, R278H.
Identifiers: ClinVar variation 3020903 (VCV003020903.3), dbSNP rs187880919, ClinGen allele CA8515818.

ClinVar aggregate classification (germline): Uncertain significance (1 of 4 stars; one submission).

Allele frequency attached by ClinVar (database versions not stated): ESP Exome Variant Server 0.00008; TOPMed 0.00011; gnomAD 0.00013; ExAC 0.00017; gnomAD exomes 0.00018; 1000 Genomes Project 30x 0.00031; 1000 Genomes Project 0.00040.
gnomAD v4.1: 306 of 1,613,684 alleles (0.019%); highest among the groups gnomAD compares: Non-Finnish European, 0.02%; no homozygotes.

Submission:

Labcorp Genetics (formerly Invitae), Labcorp
Classification: Uncertain significance. Last evaluated: 2024-01-26. Review status: criteria provided, single submitter. Criteria: Invitae Variant Classification Sherloc (09022015). Collection method: clinical testing. Allele origin: germline.
Comment: This sequence change replaces arginine, which is basic and polar, with histidine, which is basic and polar, at codon 356 of the ACACA protein (p.Arg356His). This variant is present in population databases (rs187880919, gnomAD 0.04%). This variant has not been reported in the literature in individuals affected with ACACA-related conditions. An algorithm developed to predict the effect of missense changes on protein structure and function (PolyPhen-2) suggests that this variant is likely to be disruptive. In summary, the available evidence is currently insufficient to determine the role of this variant in disease. Therefore, it has been classified as a Variant of Uncertain Significance.